The following is an entry in ClinVar:

ClinVar aggregate classification (germline): Pathogenic (1 of 4 stars; one submission).

Conditions:
Severe combined immunodeficiency due to DCLRE1C deficiency (RS-SCID). Also called: SCID, AUTOSOMAL RECESSIVE, T CELL-NEGATIVE, B CELL-NEGATIVE, NK CELL-POSITIVE, WITH SENSITIVITY TO IONIZING RADIATION. Identifiers: Orphanet 275, MedGen C1865371, MONDO:0011225, OMIM 602450.

Submission:

Labcorp Genetics (formerly Invitae), Labcorp
Classification: Pathogenic for Athabaskan severe combined immunodeficiency. Last evaluated: 2023-10-04. Review status: criteria provided, single submitter. Criteria: Invitae Variant Classification Sherloc (09022015). Collection method: clinical testing. Allele origin: unknown.
Comment: This variant is a gross deletion of the genomic region encompassing exon(s) 7-8 of the DCLRE1C gene. This deletion is out-of-frame, and is expected to create a premature termination codon and result in an absent or disrupted protein product. Loss-of-function variants in DCLRE1C are known to be pathogenic (PMID: 21664875, 26123418). A similar copy number variant has been observed in individual(s) with severe combined immunodeficiency (PMID: 19953608). For these reasons, this variant has been classified as Pathogenic.

Literature cited by the submitters: PubMed 21664875; PubMed 26123418; PubMed 19953608.

NC_000010.10:g.(?_14976359)_(14976794_?)del

Gene: DCLRE1C (DNA cross-link repair 1C; minus strand). Cytogenetic location: 10p13.
Variant type: Deletion.
Identifiers: ClinVar variation 3244874 (VCV003244874.1).